The following is an entry in ClinVar:

ClinVar aggregate classification (germline): Uncertain significance (1 of 4 stars; one submission).

Allele frequency attached by ClinVar (database versions not stated): gnomAD exomes below 0.00001; TOPMed below 0.00001; gnomAD 0.00002.
gnomAD v4.1: 10 of 1,613,840 alleles (0.00062%); highest among the groups gnomAD compares: East Asian, 0.0045%; no homozygotes.

Submission:

Labcorp Genetics (formerly Invitae), Labcorp
Classification: Uncertain significance. Last evaluated: 2023-06-29. Review status: criteria provided, single submitter. Criteria: Invitae Variant Classification Sherloc (09022015). Collection method: clinical testing. Allele origin: germline.
Comment: In summary, the available evidence is currently insufficient to determine the role of this variant in disease. Therefore, it has been classified as a Variant of Uncertain Significance. Advanced modeling of protein sequence and biophysical properties (such as structural, functional, and spatial information, amino acid conservation, physicochemical variation, residue mobility, and thermodynamic stability) performed at Invitae indicates that this missense variant is expected to disrupt DNAH9 protein function. ClinVar contains an entry for this variant (Variation ID: 1485626). This variant has not been reported in the literature in individuals affected with DNAH9-related conditions. This variant is present in population databases (no rsID available, gnomAD 0.004%). This sequence change replaces arginine, which is basic and polar, with histidine, which is basic and polar, at codon 1979 of the DNAH9 protein (p.Arg1979His).

NM_001372.4(DNAH9):c.5936G>A (p.Arg1979His)

Gene: DNAH9 (dynein axonemal heavy chain 9; plus strand). Cytogenetic location: 17p12.
Variant type: single nucleotide variant.
Coding change: c.5936G>A on transcript NM_001372.4 (MANE Select); coding-DNA position 5936, G replaced by A.
Protein change: p.Arg1979His; replaces arginine 1979 with histidine.
Molecular consequence: missense variant.
Genome position (GRCh38, 1-based): chr17:11,739,001, G>A. VCF-style: chr17-11739001-G-A. GRCh37 (hg19) VCF-style: chr17-11642318-G-A.
Other names: short protein forms R1979H.
Identifiers: ClinVar variation 1485626 (VCV001485626.6), dbSNP rs1340228519, ClinGen allele CA398190791.
Genomic context (GRCh38, chr17:11,739,001, plus strand): 5'-AGATCAGCCTGAATCCTTCTGTCGGTATCTTCATCACCATGAACCCAGGCTATGCTGGCC[G>A]CACAGAGCTGCCAGAGAATCTCAAGTCTCTCTTCAGGTGAGTGTCAGTTCTGCCCCATGC-3'
Protein context (NP_001363.2, residues 1969-1989): FITMNPGYAG[Arg1979His]TELPENLKSL